The following is an entry in ClinVar:

ClinVar aggregate classification (germline): Pathogenic/Likely pathogenic. Review status: criteria provided, multiple submitters, no conflicts (2 of 4 stars). 5 submissions from 5 submitters: Pathogenic (3); Likely pathogenic (2). Last evaluated 2025-05-01.

Conditions:
Autosomal recessive hypophosphatemic bone disease (HHRH). Also called: Hypophosphatemic rickets with hypercalciuria; HYPERCALCIURIC RICKETS. Identifiers: Orphanet 157215, MedGen C1853271, MONDO:0009431, OMIM 241530.

Allele frequency attached by ClinVar (database versions not stated): gnomAD 0.00001; ExAC 0.00002; gnomAD exomes 0.00002.

Submissions (5):

Rare Kidney Stone Consortium and the Mayo Clinic Hyperoxaluria Center, Mayo Clinic
Classification: Pathogenic for Autosomal recessive hypophosphatemic bone disease. Last evaluated: 2025-05-01. Review status: criteria provided, single submitter. Criteria: ACMG Guidelines, 2015. Collection method: research. Allele origin: germline. Affected: yes.
Comment: ACMG: PVS1, PM2, PM3,PP4

homozygote

First Genomix Gene Laboratory, Genetic Diagnostics Department
Classification: Pathogenic for Autosomal recessive hypophosphatemic bone disease. Last evaluated: 2025-01-08. Review status: criteria provided, single submitter. Criteria: ACMG Guidelines, 2015. Collection method: clinical testing. Allele origin: germline. Inheritance: Autosomal recessive inheritance. Affected: no. Observed: 1 variant allele.

Labcorp Genetics (formerly Invitae), Labcorp
Classification: Pathogenic. Last evaluated: 2024-07-11. Review status: criteria provided, single submitter. Criteria: Invitae Variant Classification Sherloc (09022015). Collection method: clinical testing. Allele origin: germline.
Comment: This sequence change creates a premature translational stop signal (p.Leu416Profs*65) in the SLC34A3 gene. While this is not anticipated to result in nonsense mediated decay, it is expected to disrupt the last 184 amino acid(s) of the SLC34A3 protein. This variant is present in population databases (rs781602446, gnomAD 0.03%). This premature translational stop signal has been observed in individual(s) with urinary stone disease (PMID: 34805638). ClinVar contains an entry for this variant (Variation ID: 2627449). Algorithms developed to predict the effect of sequence changes on RNA splicing suggest that this variant may disrupt the consensus splice site. This variant disrupts a region of the SLC34A3 protein in which other variant(s) (p.Trp541*) have been determined to be pathogenic (PMID: 31440709). This suggests that this is a clinically significant region of the protein, and that variants that disrupt it are likely to be disease-causing. For these reasons, this variant has been classified as Pathogenic.

Fulgent Genetics
Classification: Likely pathogenic for Autosomal recessive hypophosphatemic bone disease. Last evaluated: 2024-06-05. Review status: criteria provided, single submitter. Criteria: ACMG Guidelines, 2015. Collection method: clinical testing. Allele origin: germline.

Neuberg Centre For Genomic Medicine, NCGM
Classification: Likely pathogenic for Autosomal recessive hypophosphatemic bone disease. Review status: criteria provided, single submitter. Criteria: ACMG Guidelines, 2015. Collection method: clinical testing. Allele origin: germline. Inheritance: Autosomal recessive inheritance. Affected: yes.
Comment: The frameshift deletion p.L416Pfs*65 in SLC34A3 (NM_001177316.2) has not been reported previously as a pathogenic variant nor as a benign variant, to our knowledge. The p.L416Pfs*65 variant is observed in 8/30,598 (0.0261%) alleles from individuals of South Asian background in gnomAD Exomes and is novel (not in any individuals) in 1000 Genomes. This variant is predicted to cause loss of normal protein function through protein truncation. For these reasons, this variant has been classified as Likely Pathogenic. In the absence of another reportable variant, the molecuar diagnosis is not confirmed.

Literature cited by the submitters: PubMed 34805638 (cited by Rare Kidney Stone Consortium and the Mayo Clinic Hyperoxaluria Center, Mayo Clinic and Labcorp Genetics (formerly Invitae), Labcorp); PubMed 31440709 (cited by Labcorp Genetics (formerly Invitae), Labcorp).

NM_001177316.2(SLC34A3):c.1247del (p.Leu416fs)

Gene: SLC34A3 (solute carrier family 34 member 3; plus strand). Cytogenetic location: 9q34.3.
Variant type: Deletion.
Coding change: c.1247del on transcript NM_001177316.2 (MANE Select); coding-DNA position 1247, one base deleted (T; older notation c.1247delT).
Protein change: p.Leu416fs; shifts the reading frame from leucine 416.
Molecular consequence: frameshift variant.
Genome position (GRCh38, 1-based): chr9:137,234,643, T deleted. VCF-style (leftmost placement, unchanged base first): chr9-137234642-CT-C. GRCh37 (hg19) VCF-style: chr9-140129094-CT-C.
Other names: c.1247del, p.Leu416fs (NM_001177317.2, NM_080877.3); c.1247delT (NM_080877.2, NM_080877.3); short protein forms L416fs.
Identifiers: ClinVar variation 2627449 (VCV002627449.7), dbSNP rs781602446, ClinGen allele CA5364875.